The following is an entry in ClinVar:

ClinVar aggregate classification (germline): Conflicting classifications of pathogenicity. Review status: criteria provided, conflicting classifications (1 of 4 stars). 2 submissions from 2 submitters: Uncertain significance (1); Benign (1). Last evaluated 2025-03-28.

Conditions:
Intellectual disability, CASK-related, X-linked. Identifiers: MedGen CN043158.

Allele frequency attached by ClinVar (database versions not stated): gnomAD exomes below 0.00001 and 0.00001.
gnomAD v4.1: 4 of 1,210,591 alleles (0.00033%); highest among the groups gnomAD compares: East Asian, 0.012%; no homozygotes.

Submissions (2):

GeneDx
Classification: Uncertain significance. Last evaluated: 2025-03-28. Review status: criteria provided, single submitter. Criteria: GeneDx Variant Classification Process June 2021. Collection method: clinical testing. Allele origin: germline. Affected: yes.
Comment: In silico analysis supports that this missense variant has a deleterious effect on protein structure/function; Has not been previously published as pathogenic or benign to our knowledge

Labcorp Genetics (formerly Invitae), Labcorp
Classification: Benign for Intellectual disability, CASK-related, X-linked. Last evaluated: 2024-07-01. Review status: criteria provided, single submitter. Criteria: Invitae Variant Classification Sherloc (09022015). Collection method: clinical testing. Allele origin: germline.

NM_001367721.1(CASK):c.2501T>C (p.Ile834Thr)

Gene: CASK (calcium/calmodulin dependent serine protein kinase; minus strand). Cytogenetic location: Xp11.4.
Variant type: single nucleotide variant.
Coding change: c.2501T>C on transcript NM_001367721.1 (MANE Select); coding-DNA position 2501, T replaced by C.
Protein change: p.Ile834Thr; replaces isoleucine 834 with threonine.
Molecular consequence: missense variant.
Genome position (GRCh38, 1-based): chrX:41,531,026, A>G on the plus strand (T>C on the coding strand, the complement: CASK is on the minus strand). VCF-style: chrX-41531026-A-G. GRCh37 (hg19) VCF-style: chrX-41390279-A-G.
Other names: c.2417T>C, p.Ile806Thr (NM_001126054.3); c.2414T>C, p.Ile805Thr (NM_001126055.3); c.2483T>C, p.Ile828Thr (NM_001410745.1); c.2486T>C, p.Ile829Thr (NM_003688.4); short protein forms I805T, I806T, I829T, I834T, I828T.
Identifiers: ClinVar variation 1315450 (VCV001315450.9), dbSNP rs1372580366, ClinGen allele CA412989971.